The following is an entry in ClinVar:

NM_001134363.3(RBM20):c.3442A>G (p.Ile1148Val)

Gene: RBM20 (RNA binding motif protein 20; plus strand). Cytogenetic location: 10q25.2.
Variant type: single nucleotide variant.
Coding change: c.3442A>G on transcript NM_001134363.3 (MANE Select); coding-DNA position 3442, A replaced by G.
Protein change: p.Ile1148Val; replaces isoleucine 1148 with valine.
Molecular consequence: missense variant.
Genome position (GRCh38, 1-based): chr10:110,823,605, A>G. VCF-style: chr10-110823605-A-G. GRCh37 (hg19) VCF-style: chr10-112583363-A-G.
Other names: short protein forms I1148V.
Identifiers: ClinVar variation 2125857 (VCV002125857.5), dbSNP rs1844945593, ClinGen allele CA378384437.

ClinVar aggregate classification (germline): Uncertain significance. Review status: criteria provided, multiple submitters, no conflicts (2 of 4 stars). 2 submissions from 2 submitters: Uncertain significance (2). Last evaluated 2025-11-24.

Conditions:
Dilated cardiomyopathy 1DD (CMD1DD). Identifiers: Orphanet 154, MedGen C2750995, MONDO:0013168, OMIM 613172.
Cardiovascular phenotype. Identifiers: MedGen CN230736.

Allele frequency attached by ClinVar (database versions not stated): TOPMed below 0.00001; gnomAD 0.00001; gnomAD exomes 0.00001.
gnomAD v4.1: 12 of 1,551,284 alleles (0.00077%); highest among the groups gnomAD compares: Non-Finnish European, 0.001%; no homozygotes.

Submissions (2):

Ambry Genetics
Classification: Uncertain significance for Cardiovascular phenotype. Last evaluated: 2025-11-24. Review status: criteria provided, single submitter. Criteria: Ambry Variant Classification Scheme 2023. Collection method: clinical testing. Allele origin: germline.

Labcorp Genetics (formerly Invitae), Labcorp
Classification: Uncertain significance for Dilated cardiomyopathy 1DD. Last evaluated: 2025-04-01. Review status: criteria provided, single submitter. Criteria: Invitae Variant Classification Sherloc (09022015). Collection method: clinical testing. Allele origin: germline.
Comment: This sequence change replaces isoleucine, which is neutral and non-polar, with valine, which is neutral and non-polar, at codon 1148 of the RBM20 protein (p.Ile1148Val). This variant is not present in population databases (gnomAD no frequency). This variant has not been reported in the literature in individuals affected with RBM20-related conditions. ClinVar contains an entry for this variant (Variation ID: 2125857). Invitae Evidence Modeling of protein sequence and biophysical properties (such as structural, functional, and spatial information, amino acid conservation, physicochemical variation, residue mobility, and thermodynamic stability) indicates that this missense variant is not expected to disrupt RBM20 protein function with a negative predictive value of 95%. In summary, the available evidence is currently insufficient to determine the role of this variant in disease. Therefore, it has been classified as a Variant of Uncertain Significance.